The following is an entry in ClinVar:

ClinVar aggregate classification (germline): Conflicting classifications of pathogenicity. Review status: criteria provided, conflicting classifications (1 of 4 stars). 3 submissions from 3 submitters: Uncertain significance (2); Benign (1). Last evaluated 2025-03-18.

Conditions:
Basal cell carcinoma, susceptibility to, 1. Also called: BCC1. Identifiers: MedGen C2751544, MONDO:0011556, OMIM 605462.
Holoprosencephaly 7 (HPE7). Identifiers: Orphanet 2162, MedGen C1835820, MONDO:0012562, OMIM 610828.
Basal cell nevus syndrome 1 (BCNS1). Also called: GORLIN-GOLTZ SYNDROME; MULTIPLE BASAL CELL NEVI, ODONTOGENIC KERATOCYSTS, AND SKELETAL ANOMALIES. Identifiers: MedGen CN376810, MONDO:0958174, OMIM 109400.
Gorlin syndrome. Also called: Basal cell nevus syndrome; Nevoid Basal Cell Carcinoma Syndrome. Identifiers: Orphanet 377, MedGen C0004779, MONDO:0007187.
Hereditary cancer-predisposing syndrome. Also called: Neoplastic Syndromes, Hereditary; Tumor predisposition; Hereditary neoplastic syndrome; Hereditary Cancer Syndrome. Identifiers: Orphanet 140162, MedGen C0027672, MeSH D009386, MONDO:0015356.

gnomAD v4.1: 3 of 1,613,730 alleles (0.00019%); no homozygotes.

Submissions (3):

Labcorp Genetics (formerly Invitae), Labcorp
Classification: Benign for Gorlin syndrome. Last evaluated: 2025-03-18. Review status: criteria provided, single submitter. Criteria: Invitae Variant Classification Sherloc (09022015). Collection method: clinical testing. Allele origin: germline.

Fulgent Genetics
Classification: Uncertain significance for Basal cell nevus syndrome 1; Basal cell carcinoma, susceptibility to, 1; Holoprosencephaly 7. Last evaluated: 2024-01-04. Review status: criteria provided, single submitter. Criteria: ACMG Guidelines, 2015. Collection method: clinical testing. Allele origin: germline.

Ambry Genetics
Classification: Uncertain significance for Hereditary cancer-predisposing syndrome. Last evaluated: 2023-12-14. Review status: criteria provided, single submitter. Criteria: Ambry Variant Classification Scheme 2023. Collection method: clinical testing. Allele origin: germline.
Comment: The p.C92Y variant (also known as c.275G>A), located in coding exon 2 of the PTCH1 gene, results from a G to A substitution at nucleotide position 275. The cysteine at codon 92 is replaced by tyrosine, an amino acid with highly dissimilar properties. This amino acid position is highly conserved in available vertebrate species. In addition, this alteration is predicted to be deleterious by in silico analysis. Since supporting evidence is limited at this time, the clinical significance of this alteration remains unclear.

NM_000264.5(PTCH1):c.275G>A (p.Cys92Tyr)

Gene: PTCH1 (patched 1; minus strand). Cytogenetic location: 9q22.32.
Variant type: single nucleotide variant.
Coding change: c.275G>A on transcript NM_000264.5 (MANE Select); coding-DNA position 275, G replaced by A.
Protein change: p.Cys92Tyr; replaces cysteine 92 with tyrosine.
Molecular consequence: missense variant. On other transcripts: 5 prime UTR variant (4), non-coding transcript variant (1).
Genome position (GRCh38, 1-based): chr9:95,506,526, C>T on the plus strand (G>A on the coding strand, the complement: PTCH1 is on the minus strand). VCF-style: chr9-95506526-C-T. GRCh37 (hg19) VCF-style: chr9-98268808-C-T.
Other names: c.77G>A, p.Cys26Tyr (NM_001083602.3, NM_001354919.2); c.272G>A, p.Cys91Tyr (NM_001083603.3); c.-179G>A (NM_001083604.3, NM_001083605.3, NM_001083606.3 and 1 more transcripts); c.275G>A, p.Cys92Tyr (NM_001354918.2); short protein forms C26Y, C91Y, C92Y.
Identifiers: ClinVar variation 1795665 (VCV001795665.8), dbSNP rs1360279030, ClinGen allele CA374120407.